The following is an entry in ClinVar:

NM_033305.3(VPS13A):c.8517_8518delinsCTGTCTCTTA (p.Leu2840fs)

Gene: VPS13A (vacuolar protein sorting 13 homolog A; plus strand). Cytogenetic location: 9q21.2.
Variant type: Indel.
Coding change: c.8517_8518delinsCTGTCTCTTA on transcript NM_033305.3 (MANE Select); coding-DNA positions 8517 to 8518, TC replaced by CTGTCTCTTA.
Protein change: p.Leu2840fs; shifts the reading frame from leucine 2840.
Molecular consequence: frameshift variant.
Genome position (GRCh38, 1-based): chr9:77,368,100-77,368,101, TC replaced by CTGTCTCTTA. VCF-style: chr9-77368100-TC-CTGTCTCTTA. GRCh37 (hg19) VCF-style: chr9-79983016-TC-CTGTCTCTTA.
Other names: c.8400_8401delinsCTGTCTCTTA, p.Leu2801fs (NM_001018037.2); c.8517_8518delinsCTGTCTCTTA, p.Leu2840fs (NM_001018038.3, NM_015186.4); short protein forms L2801fs, L2840fs.
Identifiers: ClinVar variation 5011188 (VCV005011188.1).

ClinVar aggregate classification (germline): Pathogenic (1 of 4 stars; one submission).

Conditions:
VPS13A-related neurodegenerative disease. Also called: ACANTHOCYTOSIS WITH NEUROLOGIC DISORDER; LEVINE-CRITCHLEY SYNDROME; Choreoacanthocytosis; Chorea-acanthocytosis; Choreaacanthocytosis; VPS13A Disease. Identifiers: Orphanet 2388, MedGen C0393576, MONDO:0008695, OMIM 200150.

Submission:

Myriad Genetics, Inc.
Classification: Pathogenic for VPS13A-related neurodegenerative disease. Last evaluated: 2024-05-14. Review status: criteria provided, single submitter. Criteria: Myriad Autosomal Dominant, Autosomal Recessive and X-Linked Classification Criteria (2023). Collection method: clinical testing. Allele origin: unknown.
Comment: NM_033305.2(VPS13A):c.8517_8518del2ins10(L2840Cfs*9) is expected to be pathogenic in the context of VPS13A disease. This variant is predicted to lead to an abnormal or absent protein product due to the creation of a premature termination codon in VPS13A, a gene where loss-of-function variants are known to be pathogenic. Please note: this variant was assessed in the context of healthy population screening.